The following is an entry in ClinVar:

ClinVar aggregate classification (germline): Benign/Likely benign. Review status: criteria provided, multiple submitters, no conflicts (2 of 4 stars). 4 submissions from 4 submitters: Benign (1); Likely benign (3). Last evaluated 2025-02-10.

Conditions:
Hereditary cancer-predisposing syndrome. Also called: Hereditary Cancer Syndrome; Hereditary neoplastic syndrome; Neoplastic Syndromes, Hereditary; Tumor predisposition. Identifiers: Orphanet 140162, MedGen C0027672, MeSH D009386, MONDO:0015356.
Hereditary diffuse gastric adenocarcinoma (HDGC). Also called: DIFFUSE GASTRIC AND LOBULAR BREAST CANCER SYNDROME. Identifiers: Orphanet 26106, MedGen C1708349, MONDO:0007648, OMIM 137215.

Submissions (4):

Labcorp Genetics (formerly Invitae), Labcorp
Classification: Likely benign for Hereditary diffuse gastric adenocarcinoma. Last evaluated: 2025-02-10. Review status: criteria provided, single submitter. Criteria: Invitae Variant Classification Sherloc (09022015). Collection method: clinical testing. Allele origin: germline.

Myriad Genetics, Inc.
Classification: Benign for Hereditary diffuse gastric adenocarcinoma. Last evaluated: 2024-09-24. Review status: criteria provided, single submitter. Criteria: Myriad Autosomal Dominant, Autosomal Recessive and X-Linked Classification Criteria (2023). Collection method: clinical testing. Allele origin: unknown.
Comment: This variant is considered benign. This variant is a silent/synonymous amino acid change and it is not expected to impact splicing.

Ambry Genetics
Classification: Likely benign for Hereditary cancer-predisposing syndrome. Last evaluated: 2024-06-06. Review status: criteria provided, single submitter. Criteria: Ambry Variant Classification Scheme 2023. Collection method: clinical testing. Allele origin: germline.

Color Diagnostics, LLC DBA Color Health
Classification: Likely benign for Hereditary cancer-predisposing syndrome. Last evaluated: 2018-10-24. Review status: criteria provided, single submitter. Criteria: ACMG Guidelines, 2015. Collection method: clinical testing. Allele origin: germline.

NM_004360.5(CDH1):c.2529T>C (p.Ala843=)

Gene: CDH1 (cadherin 1; plus strand). Cytogenetic location: 16q22.1.
Variant type: single nucleotide variant.
Coding change: c.2529T>C on transcript NM_004360.5 (MANE Select); coding-DNA position 2529, T replaced by C.
Protein change: p.Ala843=; no amino-acid change (alanine 843 retained).
Molecular consequence: synonymous variant.
Genome position (GRCh38, 1-based): chr16:68,833,379, T>C. VCF-style: chr16-68833379-T-C. GRCh37 (hg19) VCF-style: chr16-68867282-T-C.
Other names: c.2529T>C (NM_004360.3); c.2346T>C, p.Ala782= (NM_001317184.2); c.981T>C, p.Ala327= (NM_001317185.2); c.564T>C, p.Ala188= (NM_001317186.2).
Identifiers: ClinVar variation 918215 (VCV000918215.12), dbSNP rs1596976414, ClinGen allele CA496393105.